The following is an entry in ClinVar:

ClinVar aggregate classification (germline): Likely pathogenic (1 of 4 stars; one submission).

Conditions:
Autosomal recessive polycystic kidney disease (ARPKD). Also called: AR polycystic kidney disease. Identifiers: Orphanet 731, Orphanet 8378, MedGen C0085548, MeSH D017044, MONDO:0009889.

Submission:

Natera, Inc.
Classification: Likely pathogenic for Autosomal recessive polycystic kidney disease. Last evaluated: 2025-01-22. Review status: criteria provided, single submitter. Criteria: Natera Variant Classification Schema (03/2026). Collection method: clinical testing. Allele origin: germline.
Comment: The c.3141_3142dupTA variant in PKHD1 is a frameshift variant predicted to shift the reading frame beginning at codon 1048 and leads to a stop codon 3 codons downstream. This variant is expected to result in nonsense mediated decay, truncation, or a dysfunctional protein product. This variant is rare in the general population with a frequency below the threshold expected for the associated phenotype(s). Given the available evidence, this variant is classified as Likely Pathogenic.

NM_138694.4(PKHD1):c.3141_3142dup (p.Ser1048fs)

Gene: PKHD1 (PKHD1 ciliary IPT domain containing fibrocystin/polyductin; minus strand). Cytogenetic location: 6p12.2.
Variant type: Duplication.
Coding change: c.3141_3142dup on transcript NM_138694.4 (MANE Select); coding-DNA positions 3141 to 3142, 2 bases duplicated (TA; older notation c.3141_3142dupTA).
Protein change: p.Ser1048fs; shifts the reading frame from serine 1048.
Molecular consequence: frameshift variant.
Genome position (GRCh38, 1-based): chr6:52,035,677-52,035,678, TA duplicated on the plus strand (TA on the coding strand, the reverse complement: PKHD1 is on the minus strand). VCF-style (leftmost placement, unchanged base first): chr6-52035676-C-CTA. GRCh37 (hg19) VCF-style: chr6-51900474-C-CTA.
Other names: c.3141_3142dup, p.Ser1048fs (NM_170724.3); short protein forms S1048fs.
Identifiers: ClinVar variation 4816627 (VCV004816627.1).